The following is an entry in ClinVar:

NM_000628.5(IL10RB):c.548C>G (p.Pro183Arg)

Genes: IFNAR2-IL10RB (IFNAR2-IL10RB readthrough; plus strand), IL10RB (interleukin 10 receptor subunit beta; plus strand). Cytogenetic location: 21q22.11.
Variant type: single nucleotide variant.
Coding change: c.548C>G on transcript NM_000628.5 (MANE Select); coding-DNA position 548, C replaced by G.
Protein change: p.Pro183Arg; replaces proline 183 with arginine.
Molecular consequence: missense variant.
Genome position (GRCh38, 1-based): chr21:33,283,143, C>G. VCF-style: chr21-33283143-C-G. GRCh37 (hg19) VCF-style: chr21-34655448-C-G.
Other names: p.Pro183Arg; c.548C>G (NM_000628.3); short protein forms P183R.
Identifiers: ClinVar variation 955970 (VCV000955970.11), dbSNP rs141328537, ClinGen allele CA10006161.
Genomic context (GRCh38, chr21:33,283,143, plus strand): 5'-TCCATTACTAGTTTCAAATTACTCCCCAGTATGACTTTGAGGTCCTCAGAAACCTGGAGC[C>G]ATGGACAACTTATTGTGTTCAAGTTCGAGGGTTTCTTCCTGATCGGAACAAAGCTGGGGA-3'
Protein context (NP_000619.3, residues 173-193): YDFEVLRNLE[Pro183Arg]WTTYCVQVRG

ClinVar aggregate classification (germline): Uncertain significance. Review status: criteria provided, multiple submitters, no conflicts (2 of 4 stars). 3 submissions from 3 submitters: Uncertain significance (3). Last evaluated 2025-08-26.

Conditions:
Inborn genetic diseases. Identifiers: MedGen C0950123, MeSH D030342.
Inflammatory bowel disease 25. Also called: Inflammatory bowel disease 25, early onset, autosomal recessive. Identifiers: Orphanet 238569, MedGen C2675508, MONDO:0012941, OMIM 612567.

Allele frequency attached by ClinVar (database versions not stated): ExAC 0.00002; TOPMed 0.00003; ESP Exome Variant Server 0.00008; gnomAD 0.00009 and 0.00010; 1000 Genomes Project 30x 0.00016; 1000 Genomes Project 0.00020.
gnomAD v4.1: 76 of 1,613,758 alleles (0.0047%); highest among the groups gnomAD compares: Non-Finnish European, 0.0058%; no homozygotes.

Submissions (3):

Ambry Genetics
Classification: Uncertain significance for Inborn genetic diseases. Last evaluated: 2025-08-26. Review status: criteria provided, single submitter. Criteria: Ambry Variant Classification Scheme 2023. Collection method: clinical testing. Allele origin: germline.

Mayo Clinic Laboratories, Mayo Clinic
Classification: Uncertain significance. Last evaluated: 2024-05-30. Review status: criteria provided, single submitter. Criteria: ACMG Guidelines, 2015. Collection method: clinical testing. Allele origin: germline. Observed: 1 variant allele.
Comment: BP4

Labcorp Genetics (formerly Invitae), Labcorp
Classification: Uncertain significance for Inflammatory bowel disease 25. Last evaluated: 2023-10-03. Review status: criteria provided, single submitter. Criteria: Invitae Variant Classification Sherloc (09022015). Collection method: clinical testing. Allele origin: germline.
Comment: This sequence change replaces proline, which is neutral and non-polar, with arginine, which is basic and polar, at codon 183 of the IL10RB protein (p.Pro183Arg). This variant is present in population databases (rs141328537, gnomAD 0.009%). This variant has not been reported in the literature in individuals affected with IL10RB-related conditions. ClinVar contains an entry for this variant (Variation ID: 955970). Advanced modeling of protein sequence and biophysical properties (such as structural, functional, and spatial information, amino acid conservation, physicochemical variation, residue mobility, and thermodynamic stability) has been performed at Invitae for this missense variant, however the output from this modeling did not meet the statistical confidence thresholds required to predict the impact of this variant on IL10RB protein function. In summary, the available evidence is currently insufficient to determine the role of this variant in disease. Therefore, it has been classified as a Variant of Uncertain Significance.